The following is an entry in ClinVar:

ClinVar aggregate classification (germline): Likely pathogenic (1 of 4 stars; one submission).

Conditions:
Alport syndrome. Also called: Hemorrhagic familial nephritis; Hemorrhagic hereditary nephritis; Congenital hereditary hematuria. Identifiers: Orphanet 63, MedGen C1567741, MONDO:0018965.

Submission:

Natera, Inc.
Classification: Likely pathogenic for Alport syndrome. Last evaluated: 2024-06-14. Review status: criteria provided, single submitter. Criteria: Natera Variant Classification Schema (03/2026). Collection method: clinical testing. Allele origin: germline.
Comment: The c.4870_4873dup variant in COL4A3 is a frameshift variant predicted to elongate the protein beyond the termination codon. This variant is expected to result in nonsense mediated decay, truncation, or a dysfunctional protein product. This variant is rare in the general population with a frequency below the threshold expected for the associated phenotype(s). Given the available evidence, this variant is classified as Likely Pathogenic.

NM_000091.5(COL4A3):c.4870_4873dup (p.Tyr1625fs)

Genes: COL4A3 (collagen type IV alpha 3 chain; plus strand), MFF-DT (MFF divergent transcript; minus strand). Cytogenetic location: 2q36.3.
Variant type: Duplication.
Coding change: c.4870_4873dup on transcript NM_000091.5 (MANE Select); coding-DNA positions 4870 to 4873, 4 bases duplicated (TACT; older notation c.4870_4873dupTACT).
Protein change: p.Tyr1625fs; shifts the reading frame from tyrosine 1625.
Molecular consequence: frameshift variant.
Genome position (GRCh38, 1-based): chr2:227,310,890-227,310,893, TACT duplicated. VCF-style (leftmost placement, unchanged base first): chr2-227310889-C-CTACT. GRCh37 (hg19) VCF-style: chr2-228175605-C-CTACT.
Other names: short protein forms Y1625fs.
Identifiers: ClinVar variation 4817268 (VCV004817268.1).